The following is an entry in ClinVar:

NM_000875.5(IGF1R):c.2788T>C (p.Tyr930His)

Gene: IGF1R (insulin like growth factor 1 receptor; plus strand). Cytogenetic location: 15q26.3.
Variant type: single nucleotide variant.
Coding change: c.2788T>C on transcript NM_000875.5 (MANE Select); coding-DNA position 2788, T replaced by C.
Protein change: p.Tyr930His; replaces tyrosine 930 with histidine.
Molecular consequence: missense variant.
Genome position (GRCh38, 1-based): chr15:98,929,563, T>C. VCF-style: chr15-98929563-T-C. GRCh37 (hg19) VCF-style: chr15-99472792-T-C.
Other names: c.2785T>C, p.Tyr929His (NM_001291858.2); short protein forms Y929H, Y930H.
Identifiers: ClinVar variation 4795765 (VCV004795765.1).

ClinVar aggregate classification (germline): Uncertain significance (1 of 4 stars; one submission).

Submission:

GeneDx
Classification: Uncertain significance. Last evaluated: 2025-08-13. Review status: criteria provided, single submitter. Criteria: GeneDx Variant Classification Process June 2021. Collection method: clinical testing. Allele origin: germline. Affected: yes.
Comment: Not observed at significant frequency in large population cohorts (gnomAD); In silico analysis suggests that this missense variant does not alter protein structure/function; Has not been previously published as pathogenic or benign to our knowledge